The following is an entry in ClinVar:

NM_005228.5(EGFR):c.1118C>T (p.Pro373Leu)

Genes: EGFR (epidermal growth factor receptor; plus strand), LOC126860048 (P300/CBP strongly-dependent group 1 enhancer GRCh37_chr7:55223847-55225046; plus strand). Cytogenetic location: 7p11.2.
Variant type: single nucleotide variant.
Coding change: c.1118C>T on transcript NM_005228.5 (MANE Select); coding-DNA position 1118, C replaced by T.
Protein change: p.Pro373Leu; replaces proline 373 with leucine.
Molecular consequence: missense variant.
Genome position (GRCh38, 1-based): chr7:55,156,644, C>T. VCF-style: chr7-55156644-C-T. GRCh37 (hg19) VCF-style: chr7-55224337-C-T.
Other names: c.983C>T, p.Pro328Leu (NM_001346897.2, NM_001346899.2); c.1118C>T, p.Pro373Leu (NM_001346898.2, NM_201282.2, NM_201283.2 and 1 more transcripts); c.959C>T, p.Pro320Leu (NM_001346900.2); c.317C>T, p.Pro106Leu (NM_001346941.2); short protein forms P106L, P320L, P373L, P328L.
Identifiers: ClinVar variation 2777401 (VCV002777401.4), dbSNP rs2128938429, ClinGen allele CA367578436.

ClinVar aggregate classification (germline): Uncertain significance. Review status: criteria provided, multiple submitters, no conflicts (2 of 4 stars). 2 submissions from 2 submitters: Uncertain significance (2). Last evaluated 2026-05-11.

Conditions:
Hereditary cancer-predisposing syndrome. Also called: Tumor predisposition; Hereditary neoplastic syndrome; Neoplastic Syndromes, Hereditary; Hereditary Cancer Syndrome. Identifiers: Orphanet 140162, MedGen C0027672, MeSH D009386, MONDO:0015356.
EGFR-related lung cancer (EGFR). Identifiers: MedGen CN130014.

Allele frequency attached by ClinVar (database versions not stated): gnomAD exomes below 0.00001.
gnomAD v4.1: 3 of 1,614,192 alleles (0.00019%); highest among the groups gnomAD compares: Non-Finnish European, 0.00025%; no homozygotes.

Submissions (2):

Ambry Genetics
Classification: Uncertain significance for Hereditary cancer-predisposing syndrome. Last evaluated: 2026-05-11. Review status: criteria provided, single submitter. Criteria: Ambry Variant Classification Scheme 2023. Collection method: clinical testing. Allele origin: germline.
Comment: The p.P373L variant (also known as c.1118C>T), located in coding exon 9 of the EGFR gene, results from a C to T substitution at nucleotide position 1118. The proline at codon 373 is replaced by leucine, an amino acid with similar properties. This amino acid position is not well conserved in available vertebrate species. In addition, the in silico prediction for this alteration is inconclusive. Based on the available evidence, the clinical significance of this variant remains unclear.

Labcorp Genetics (formerly Invitae), Labcorp
Classification: Uncertain significance for EGFR-related lung cancer. Last evaluated: 2025-02-20. Review status: criteria provided, single submitter. Criteria: Invitae Variant Classification Sherloc (09022015). Collection method: clinical testing. Allele origin: germline.
Comment: This sequence change replaces proline, which is neutral and non-polar, with leucine, which is neutral and non-polar, at codon 373 of the EGFR protein (p.Pro373Leu). This variant is not present in population databases (gnomAD no frequency). This variant has not been reported in the literature in individuals affected with EGFR-related conditions. ClinVar contains an entry for this variant (Variation ID: 2777401). Invitae Evidence Modeling of protein sequence and biophysical properties (such as structural, functional, and spatial information, amino acid conservation, physicochemical variation, residue mobility, and thermodynamic stability) indicates that this missense variant is not expected to disrupt EGFR protein function with a negative predictive value of 80%. In summary, the available evidence is currently insufficient to determine the role of this variant in disease. Therefore, it has been classified as a Variant of Uncertain Significance.